The following is an entry in ClinVar:

NM_017671.4(FERMT1):c.-588C>T

Gene: FERMT1 (FERM domain containing kindlin 1; minus strand). Cytogenetic location: 20p12.3.
Variant type: single nucleotide variant.
Coding change: c.-588C>T on transcript NM_017671.4; 588 bases upstream of the start codon, C replaced by T.
Genome position (GRCh38, 1-based): chr20:6,123,343, G>A on the plus strand (C>T on the coding strand, the complement: FERMT1 is on the minus strand). VCF-style: chr20-6123343-G-A. GRCh37 (hg19) VCF-style: chr20-6103990-G-A.
Identifiers: ClinVar variation 339253 (VCV000339253.7), dbSNP rs572613950, ClinGen allele CA10652762.

ClinVar aggregate classification (germline): Likely benign (1 of 4 stars; one submission).

Conditions:
Kindler syndrome (KNDLRS). Also called: Poikiloderma of Kindler; Congenital bullous poikiloderma; POIKILODERMA, CONGENITAL, WITH BULLAE, WEARY TYPE; POIKILODERMA, HEREDITARY ACROKERATOTIC; BULLOUS ACROKERATOTIC POIKILODERMA OF KINDLER AND WEARY; Kindler's syndrome. Identifiers: Orphanet 2908, Orphanet 306539, MedGen C0406557, MONDO:0008260, OMIM 173650.

Allele frequency attached by ClinVar (database versions not stated): gnomAD 0.00056 and 0.00078; TOPMed 0.00094; gnomAD exomes 0.00144; 1000 Genomes Project 0.00240; 1000 Genomes Project 30x 0.00219.

Submission:

Illumina Laboratory Services, Illumina
Classification: Likely benign for Kindler syndrome. Last evaluated: 2018-01-13. Review status: criteria provided, single submitter. Criteria: ICSL Variant Classification Criteria 13 December 2019. Collection method: clinical testing. Allele origin: germline.
Comment: This variant was observed in the ICSL laboratory as part of a predisposition screen in an ostensibly healthy population. It had not been previously curated by ICSL or reported in the Human Gene Mutation Database (HGMD: prior to June 1st, 2018), and was therefore a candidate for classification through an automated scoring system. Utilizing variant allele frequency, disease prevalence and penetrance estimates, and inheritance mode, an automated score was calculated to assess if this variant is too frequent to cause the disease. Based on the score and internal cut-off values, a variant classified as likely benign is not then subjected to further curation. The score for this variant resulted in a classification of likely benign for this disease.